The following is an entry in ClinVar:

ClinVar aggregate classification (germline): Uncertain significance. Review status: criteria provided, single submitter (1 of 4 stars). 2 submissions from 2 submitters: Uncertain significance (1). 1 of the submissions does not count toward it. Last evaluated 2024-12-23.

Conditions:
PPIB-related disorder. Also called: PPIB-related condition.
Inborn genetic diseases. Identifiers: MedGen C0950123, MeSH D030342.

gnomAD v4.1: 17 of 1,614,152 alleles (0.0011%); highest among the groups gnomAD compares: African/African-American, 0.004%; no homozygotes.

Submissions (2):

Ambry Genetics
Classification: Uncertain significance for Inborn genetic diseases. Last evaluated: 2024-12-23. Review status: criteria provided, single submitter. Criteria: Ambry Variant Classification Scheme 2023. Collection method: clinical testing. Allele origin: germline.

PreventionGenetics, part of Exact Sciences
Classification: Uncertain significance for PPIB-related condition. Last evaluated: 2024-03-05. Review status: no assertion criteria provided. Collection method: clinical testing. Allele origin: germline. Not counted in ClinVar's aggregate classification.
Comment: The PPIB c.539G>A variant is predicted to result in the amino acid substitution p.Arg180Gln. To our knowledge, this variant has not been reported in the literature. This variant is reported in 0.0062% of alleles in individuals of African descent in gnomAD. At this time, the clinical significance of this variant is uncertain due to the absence of conclusive functional and genetic evidence.

NM_000942.5(PPIB):c.539G>A (p.Arg180Gln)

Genes: SNX22 (sorting nexin 22; plus strand), PPIB (peptidylprolyl isomerase B; minus strand). Cytogenetic location: 15q22.31.
Variant type: single nucleotide variant.
Coding change: c.539G>A on transcript NM_000942.5 (MANE Select); coding-DNA position 539, G replaced by A.
Protein change: p.Arg180Gln; replaces arginine 180 with glutamine.
Molecular consequence: missense variant. On other transcripts: 3 prime UTR variant (1), non-coding transcript variant (1).
Genome position (GRCh38, 1-based): chr15:64,156,135, C>T on the plus strand (G>A on the coding strand, the complement: PPIB is on the minus strand). VCF-style: chr15-64156135-C-T. GRCh37 (hg19) VCF-style: chr15-64448334-C-T.
Other names: c.*1627C>T (NM_024798.3); short protein forms R180Q.
Identifiers: ClinVar variation 3350549 (VCV003350549.2).